The following is an entry in ClinVar:

ClinVar aggregate classification (germline): Benign/Likely benign. Review status: criteria provided, multiple submitters, no conflicts (2 of 4 stars). 4 submissions from 4 submitters: Benign (1); Likely benign (3). Last evaluated 2026-05-11.

Conditions:
KBG syndrome (KBGS). Also called: ANKRD11-Related KBG Syndrome. Identifiers: Orphanet 2332, MedGen C0220687, MONDO:0007846, OMIM 148050.

Allele frequency attached by ClinVar (database versions not stated): gnomAD 0.00007; gnomAD exomes 0.00007 and 0.00017; TOPMed 0.00008; ExAC 0.00015; ESP Exome Variant Server 0.00015.
gnomAD v4.1: 126 of 1,613,948 alleles (0.0078%); highest among the groups gnomAD compares: Admixed American, 0.042%; no homozygotes.

Submissions (4):

Women's Health and Genetics/Laboratory Corporation of America, LabCorp
Classification: Benign. Last evaluated: 2026-05-11. Review status: criteria provided, single submitter. Criteria: LabCorp Variant Classification Summary - May 2015. Collection method: clinical testing. Allele origin: germline.

CeGaT Center for Human Genetics Tuebingen
Classification: Likely benign. Last evaluated: 2026-02-01. Review status: criteria provided, single submitter. Criteria: CeGaT Center For Human Genetics Tuebingen Variant Classification Criteria Version 2. Collection method: clinical testing. Allele origin: germline. Affected: yes. Observed: 1 variant allele.
Comment: ANKRD11: BP4, BP7

Labcorp Genetics (formerly Invitae), Labcorp
Classification: Likely benign for KBG syndrome. Last evaluated: 2025-01-13. Review status: criteria provided, single submitter. Criteria: Invitae Variant Classification Sherloc (09022015). Collection method: clinical testing. Allele origin: germline.

Blueprint Genetics
Classification: Likely benign. Last evaluated: 2024-10-03. Review status: criteria provided, single submitter. Criteria: ACMG Guidelines, 2015. Collection method: clinical testing. Allele origin: germline.

NM_013275.6(ANKRD11):c.648C>T (p.Val216=)

Gene: ANKRD11 (ankyrin repeat domain 11; minus strand). Cytogenetic location: 16q24.3.
Variant type: single nucleotide variant.
Coding change: c.648C>T on transcript NM_013275.6 (MANE Select); coding-DNA position 648, C replaced by T.
Protein change: p.Val216=; no amino-acid change (valine 216 retained).
Molecular consequence: synonymous variant. On other transcripts: non-coding transcript variant (1).
Genome position (GRCh38, 1-based): chr16:89,288,624, G>A on the plus strand (C>T on the coding strand, the complement: ANKRD11 is on the minus strand). VCF-style: chr16-89288624-G-A. GRCh37 (hg19) VCF-style: chr16-89355032-G-A.
Other names: c.648C>T, p.Val216= (NM_001256182.2, NM_001256183.2).
Identifiers: ClinVar variation 767465 (VCV000767465.14), dbSNP rs376462670, ClinGen allele CA8243017.